The following is an entry in ClinVar:

NM_001009999.3(KDM1A):c.2031G>C (p.Arg677Ser)

Gene: KDM1A (lysine demethylase 1A; plus strand). Cytogenetic location: 1p36.12.
Variant type: single nucleotide variant.
Coding change: c.2031G>C on transcript NM_001009999.3 (MANE Select); coding-DNA position 2031, G replaced by C.
Protein change: p.Arg677Ser; replaces arginine 677 with serine.
Molecular consequence: missense variant.
Genome position (GRCh38, 1-based): chr1:23,079,153, G>C. VCF-style: chr1-23079153-G-C. GRCh37 (hg19) VCF-style: chr1-23405646-G-C.
Other names: c.1977G>C, p.Arg659Ser (NM_001363654.2); c.2037G>C, p.Arg679Ser (NM_001410762.1); c.1959G>C, p.Arg653Ser (NM_001410763.1, NM_015013.4); short protein forms R679S, R653S, R659S, R677S.
Identifiers: ClinVar variation 3863200 (VCV003863200.1).

ClinVar aggregate classification (germline): Uncertain significance (1 of 4 stars; one submission).

Conditions:
Inborn genetic diseases. Identifiers: MedGen C0950123, MeSH D030342.

Submission:

Ambry Genetics
Classification: Uncertain significance for Inborn genetic diseases. Last evaluated: 2024-12-12. Review status: criteria provided, single submitter. Criteria: Ambry Variant Classification Scheme 2023. Collection method: clinical testing. Allele origin: germline.
Comment: The p.R677S variant (also known as c.2031G>C), located in coding exon 17 of the KDM1A gene, results from a G to C substitution at nucleotide position 2031. The arginine at codon 677 is replaced by serine, an amino acid with dissimilar properties. This amino acid position is conserved. In addition, this alteration is predicted to be deleterious by in silico analysis. Based on the available evidence, the clinical significance of this variant remains unclear.